The following is an entry in ClinVar:

NM_005898.5(CAPRIN1):c.854A>T (p.Glu285Val)

Gene: CAPRIN1 (cell cycle associated protein 1; plus strand). Cytogenetic location: 11p13.
Variant type: single nucleotide variant.
Coding change: c.854A>T on transcript NM_005898.5 (MANE Select); coding-DNA position 854, A replaced by T.
Protein change: p.Glu285Val; replaces glutamic acid 285 with valine.
Molecular consequence: missense variant.
Genome position (GRCh38, 1-based): chr11:34,082,852, A>T. VCF-style: chr11-34082852-A-T. GRCh37 (hg19) VCF-style: chr11-34104399-A-T.
Other names: c.854A>T, p.Glu285Val (NM_203364.3); short protein forms E285V.
Identifiers: ClinVar variation 4991716 (VCV004991716.1).

ClinVar aggregate classification (germline): Uncertain significance (1 of 4 stars; one submission).

Conditions:
CAPRIN1-related disorder. Also called: CAPRIN1-related condition.

gnomAD v4.1: 1 of 1,613,866 alleles (0.000062%); highest among the groups gnomAD compares: African/African-American, 0.0013%; no homozygotes.

Submission:

PreventionGenetics, part of Exact Sciences
Classification: Uncertain significance for CAPRIN1-related condition. Last evaluated: 2026-04-14. Review status: criteria provided, single submitter. Criteria: ACMG Guidelines, 2015. Collection method: clinical testing. Allele origin: germline.
Comment: The CAPRIN1 c.854A>T variant is predicted to result in the amino acid substitution p.Glu285Val. To our knowledge, this variant has not been reported in the literature or in a large population database (gnomAD), indicating this variant is rare. At this time, the clinical significance of this variant is uncertain due to the absence of conclusive functional and genetic evidence.